The following is an entry in ClinVar:

NM_000426.4(LAMA2):c.8637G>C (p.Leu2879=)

Gene: LAMA2 (laminin subunit alpha 2; plus strand). Cytogenetic location: 6q22.33.
Variant type: single nucleotide variant.
Coding change: c.8637G>C on transcript NM_000426.4 (MANE Select); coding-DNA position 8637, G replaced by C.
Protein change: p.Leu2879=; no amino-acid change (leucine 2879 retained).
Molecular consequence: synonymous variant.
Genome position (GRCh38, 1-based): chr6:129,505,289, G>C. VCF-style: chr6-129505289-G-C. GRCh37 (hg19) VCF-style: chr6-129826434-G-C.
Other names: c.8625G>C, p.Leu2875= (NM_001079823.2).
Identifiers: ClinVar variation 391046 (VCV000391046.12), dbSNP rs370496870, ClinGen allele CA3994881.
Genomic context (GRCh38, chr6:129,505,289, plus strand): 5'-AATTCTTTATGTAGATGGGGCTTCCAACAGAACCATCAGTCCCAAAAAAGCCGACATCCT[G>C]GATGTCGTGGGAATGCTGTATGTTGGTGGGTTACCCATCAACTACACTACCCGAAGAATT-3'
Protein context (NP_000417.3, residues 2869-2889): RTISPKKADI[Leu2879=]DVVGMLYVGG

ClinVar aggregate classification (germline): Likely benign. Review status: criteria provided, multiple submitters, no conflicts (2 of 4 stars). 2 submissions from 2 submitters: Likely benign (2). Last evaluated 2025-09-21.

Conditions:
LAMA2-related muscular dystrophy (LAMA2-RD). Also called: Laminin alpha 2-related dystrophy. Identifiers: MedGen C5679788, MONDO:0100228.

Allele frequency attached by ClinVar (database versions not stated): ExAC 0.00004; gnomAD 0.00005 and 0.00006; gnomAD exomes 0.00005 and 0.00012; TOPMed 0.00006; ESP Exome Variant Server 0.00008.
gnomAD v4.1: 179 of 1,613,818 alleles (0.011%); highest among the groups gnomAD compares: Non-Finnish European, 0.015%; no homozygotes.

Submissions (2):

Labcorp Genetics (formerly Invitae), Labcorp
Classification: Likely benign for LAMA2-related muscular dystrophy. Last evaluated: 2025-09-21. Review status: criteria provided, single submitter. Criteria: Invitae Variant Classification Sherloc (09022015). Collection method: clinical testing. Allele origin: germline.

GeneDx
Classification: Likely benign. Last evaluated: 2016-11-23. Review status: criteria provided, single submitter. Criteria: GeneDx Variant Classification (06012015). Collection method: clinical testing. Allele origin: germline. Affected: yes.
Comment: This variant is considered likely benign or benign based on one or more of the following criteria: it is a conservative change, it occurs at a poorly conserved position in the protein, it is predicted to be benign by multiple in silico algorithms, and/or has population frequency not consistent with disease.